The following is an entry in ClinVar:

NM_005529.7(HSPG2):c.8089C>T (p.Arg2697Trp)

Gene: HSPG2 (heparan sulfate proteoglycan 2; minus strand). Cytogenetic location: 1p36.12.
Variant type: single nucleotide variant.
Coding change: c.8089C>T on transcript NM_005529.7 (MANE Select); coding-DNA position 8089, C replaced by T.
Protein change: p.Arg2697Trp; replaces arginine 2697 with tryptophan.
Molecular consequence: missense variant.
Genome position (GRCh38, 1-based): chr1:21,847,429, G>A on the plus strand (C>T on the coding strand, the complement: HSPG2 is on the minus strand). VCF-style: chr1-21847429-G-A. GRCh37 (hg19) VCF-style: chr1-22173922-G-A.
Other names: c.8089C>T (NM_005529.5); c.8092C>T, p.Arg2698Trp (NM_001291860.2); short protein forms R2697W, R2698W.
Identifiers: ClinVar variation 1974319 (VCV001974319.8), dbSNP rs779348253, ClinGen allele CA670930.

ClinVar aggregate classification (germline): Uncertain significance. Review status: criteria provided, multiple submitters, no conflicts (2 of 4 stars). 2 submissions from 2 submitters: Uncertain significance (2). Last evaluated 2025-09-04.

Conditions:
Inborn genetic diseases. Identifiers: MedGen C0950123, MeSH D030342.

Allele frequency attached by ClinVar (database versions not stated): ExAC 0.00002.
gnomAD v4.1: 14 of 1,613,812 alleles (0.00087%); highest among the groups gnomAD compares: Middle Eastern, 0.033%; no homozygotes.

Submissions (2):

Ambry Genetics
Classification: Uncertain significance for Inborn genetic diseases. Last evaluated: 2025-09-04. Review status: criteria provided, single submitter. Criteria: Ambry Variant Classification Scheme 2023. Collection method: clinical testing. Allele origin: germline.

Labcorp Genetics (formerly Invitae), Labcorp
Classification: Uncertain significance. Last evaluated: 2022-07-30. Review status: criteria provided, single submitter. Criteria: Invitae Variant Classification Sherloc (09022015). Collection method: clinical testing. Allele origin: germline.
Comment: This sequence change replaces arginine, which is basic and polar, with tryptophan, which is neutral and slightly polar, at codon 2697 of the HSPG2 protein (p.Arg2697Trp). This variant is present in population databases (rs779348253, gnomAD 0.01%). This variant has not been reported in the literature in individuals affected with HSPG2-related conditions. Algorithms developed to predict the effect of missense changes on protein structure and function are either unavailable or do not agree on the potential impact of this missense change (SIFT: "Deleterious"; PolyPhen-2: "Probably Damaging"; Align-GVGD: "Class C0"). In summary, the available evidence is currently insufficient to determine the role of this variant in disease. Therefore, it has been classified as a Variant of Uncertain Significance.